The following is an entry in ClinVar:

NM_000135.4(FANCA):c.1007-3C>T

Gene: FANCA (FA complementation group A; minus strand). Cytogenetic location: 16q24.3.
Variant type: single nucleotide variant.
Coding change: c.1007-3C>T on transcript NM_000135.4 (MANE Select); 3 bases into the intron before coding-DNA position 1007, C replaced by T.
Molecular consequence: intron variant.
Genome position (GRCh38, 1-based): chr16:89,792,550, G>A on the plus strand (C>T on the coding strand, the complement: FANCA is on the minus strand). VCF-style: chr16-89792550-G-A. GRCh37 (hg19) VCF-style: chr16-89858958-G-A.
Other names: c.1007-3C>T (NM_001286167.3, NM_000135.3).
Identifiers: ClinVar variation 964713 (VCV000964713.9), dbSNP rs557382436, ClinGen allele CA8252562.

ClinVar aggregate classification (germline): Uncertain significance. Review status: criteria provided, multiple submitters, no conflicts (2 of 4 stars). 4 submissions from 4 submitters: Uncertain significance (3). 1 of the submissions does not count toward it. Last evaluated 2023-07-04.

Conditions:
Fanconi anemia complementation group A (FANCA). Also called: FANCA-Related Fanconi Anemia; Fanconi anemia, group A. Identifiers: Orphanet 84, MedGen C3469521, MONDO:0009215, OMIM 227650.
Fanconi anemia (FA). Also called: Fanconi's anemia. Identifiers: Orphanet 84, MedGen C0015625, MeSH D005199, MONDO:0019391.

Allele frequency attached by ClinVar (database versions not stated): ExAC 0.00002; gnomAD exomes 0.00002; TOPMed 0.00002.
gnomAD v4.1: 9 of 1,612,706 alleles (0.00056%); highest among the groups gnomAD compares: Admixed American, 0.012%; no homozygotes.

Submissions (4):

Quest Diagnostics Nichols Institute San Juan Capistrano
Classification: Uncertain significance. Last evaluated: 2023-07-04. Review status: criteria provided, single submitter. Criteria: Quest Diagnostics criteria. Collection method: clinical testing. Allele origin: unknown.
Comment: To the best of our knowledge, this variant has not been reported in the published literature. The frequency of this variant in the general population, 0.000087 (3/34570 chromosomes (Genome Aggregation Database)), is uninformative in the assessment of its pathogenicity. Analysis of this variant using software algorithms for the prediction of the effect of nucleotide changes on splicing yielded predictions that this variant does not affect FANCA mRNA splicing . Based on the available information, we are unable to determine the clinical significance of this variant.

Labcorp Genetics (formerly Invitae), Labcorp
Classification: Uncertain significance for Fanconi anemia. Last evaluated: 2022-10-25. Review status: criteria provided, single submitter. Criteria: Invitae Variant Classification Sherloc (09022015). Collection method: clinical testing. Allele origin: germline.
Comment: This sequence change falls in intron 11 of the FANCA gene. It does not directly change the encoded amino acid sequence of the FANCA protein. It affects a nucleotide within the consensus splice site. This variant is present in population databases (rs557382436, gnomAD 0.009%). This variant has not been reported in the literature in individuals affected with FANCA-related conditions. ClinVar contains an entry for this variant (Variation ID: 964713). Variants that disrupt the consensus splice site are a relatively common cause of aberrant splicing (PMID: 17576681, 9536098). Algorithms developed to predict the effect of sequence changes on RNA splicing suggest that this variant is not likely to affect RNA splicing. In summary, the available evidence is currently insufficient to determine the role of this variant in disease. Therefore, it has been classified as a Variant of Uncertain Significance.

Fulgent Genetics
Classification: Uncertain significance for Fanconi anemia complementation group A. Last evaluated: 2021-07-13. Review status: criteria provided, single submitter. Criteria: ACMG Guidelines, 2015. Collection method: clinical testing. Allele origin: unknown.

Natera, Inc.
Classification: Uncertain significance for Fanconi anemia. Last evaluated: 2020-01-24. Review status: no assertion criteria provided. Collection method: clinical testing. Allele origin: germline. Not counted in ClinVar's aggregate classification.

Literature cited by the submitters: PubMed 17576681 (cited by Labcorp Genetics (formerly Invitae), Labcorp); PubMed 9536098 (cited by Labcorp Genetics (formerly Invitae), Labcorp).